The following is an entry in ClinVar:

ClinVar aggregate classification (germline): Uncertain significance (1 of 4 stars; one submission).

Conditions:
Gastrointestinal stromal tumor. Also called: Gastrointestinal stromal tumor, somatic; Gastrointestinal stroma tumor. Identifiers: Orphanet 44890, MedGen C0238198, MeSH D046152, MONDO:0011719, OMIM 606764, HP:0100723.

Submission:

Labcorp Genetics (formerly Invitae), Labcorp
Classification: Uncertain significance for Gastrointestinal stromal tumor. Last evaluated: 2023-05-08. Review status: criteria provided, single submitter. Criteria: Invitae Variant Classification Sherloc (09022015). Collection method: clinical testing. Allele origin: germline.
Comment: This variant has not been reported in the literature in individuals affected with KIT-related conditions. This variant is not present in population databases (gnomAD no frequency). This sequence change falls in intron 15 of the KIT gene. It does not directly change the encoded amino acid sequence of the KIT protein. It affects a nucleotide within the consensus splice site. ClinVar contains an entry for this variant (Variation ID: 957999). In summary, the available evidence is currently insufficient to determine the role of this variant in disease. Therefore, it has been classified as a Variant of Uncertain Significance. Variants that disrupt the consensus splice site are a relatively common cause of aberrant splicing (PMID: 17576681, 9536098). Algorithms developed to predict the effect of sequence changes on RNA splicing suggest that this variant may disrupt the consensus splice site.

Literature cited by the submitters: PubMed 17576681; PubMed 9536098.

NM_000222.3(KIT):c.2233+3dup

Gene: KIT (KIT proto-oncogene, receptor tyrosine kinase; plus strand). Cytogenetic location: 4q12.
Variant type: Duplication.
Coding change: c.2233+3dup on transcript NM_000222.3 (MANE Select); 3 bases into the intron after coding-DNA position 2233, one base duplicated (G; older notation c.2233+3dupG).
Molecular consequence: intron variant.
Genome position (GRCh38, 1-based): chr4:54,731,422, G duplicated. VCF-style (leftmost placement, unchanged base first): chr4-54731421-T-TG. GRCh37 (hg19) VCF-style: chr4-55597587-T-TG.
Other names: c.2236+3dup (NM_001385284.1); c.2233+3dup (NM_001385290.1); c.2224+3dup (NM_001385288.1); c.2221+3dup (NM_001385292.1, NM_001093772.2); c.2230+3dup (NM_001385285.1); c.2218+3dup (NM_001385286.1).
Identifiers: ClinVar variation 957999 (VCV000957999.8), dbSNP rs1722590741, ClinGen allele CA1139658094.
Genomic context (GRCh38, chr4:54,731,421, plus strand): 5'-ACCTGGAGTTTCTTATGTTGTCCCAACCAAGGCCGACAAAAGGAGATCTGTGAGAATAGG[T>TG]GAGTACCTACCTATCAAGCAACCAAGAGTAACTTTACAGAGAGTATGTATATCATGCTAA-3'